The following is an entry in ClinVar:

ClinVar aggregate classification (germline): Uncertain significance (1 of 4 stars; one submission).

Allele frequency attached by ClinVar (database versions not stated): gnomAD exomes below 0.00001; ExAC 0.00003; gnomAD 0.00003; TOPMed 0.00003.
gnomAD v4.1: 10 of 1,613,416 alleles (0.00062%); highest among the groups gnomAD compares: African/African-American, 0.0053%; no homozygotes.

Submission:

Labcorp Genetics (formerly Invitae), Labcorp
Classification: Uncertain significance. Last evaluated: 2023-06-29. Review status: criteria provided, single submitter. Criteria: Invitae Variant Classification Sherloc (09022015). Collection method: clinical testing. Allele origin: germline.
Comment: This sequence change replaces arginine, which is basic and polar, with histidine, which is basic and polar, at codon 322 of the AARS2 protein (p.Arg322His). This variant is present in population databases (rs759670932, gnomAD 0.01%). This missense change has been observed in individual(s) with clinical features of leukoencephalopathy (PMID: 31388113). ClinVar contains an entry for this variant (Variation ID: 2421551). Advanced modeling of protein sequence and biophysical properties (such as structural, functional, and spatial information, amino acid conservation, physicochemical variation, residue mobility, and thermodynamic stability) has been performed at Invitae for this missense variant, however the output from this modeling did not meet the statistical confidence thresholds required to predict the impact of this variant on AARS2 protein function. In summary, the available evidence is currently insufficient to determine the role of this variant in disease. Therefore, it has been classified as a Variant of Uncertain Significance.

Literature cited by the submitters: PubMed 31388113.

NM_020745.4(AARS2):c.965G>A (p.Arg322His)

Gene: AARS2 (alanyl-tRNA synthetase 2, mitochondrial; minus strand). Cytogenetic location: 6p21.1.
Variant type: single nucleotide variant.
Coding change: c.965G>A on transcript NM_020745.4 (MANE Select); coding-DNA position 965, G replaced by A.
Protein change: p.Arg322His; replaces arginine 322 with histidine.
Molecular consequence: missense variant.
Genome position (GRCh38, 1-based): chr6:44,307,324, C>T on the plus strand (G>A on the coding strand, the complement: AARS2 is on the minus strand). VCF-style: chr6-44307324-C-T. GRCh37 (hg19) VCF-style: chr6-44275061-C-T.
Other names: short protein forms R322H.
Identifiers: ClinVar variation 2421551 (VCV002421551.43), dbSNP rs759670932, ClinGen allele CA3834498.
Genomic context (GRCh38, chr6:44,307,324, plus strand): 5'-CCAGGGAAGATGCCATCAGAGATGCAGACACTGAGTGTGCGGATGTGGTCAGCCACCACG[C>T]GGTACGCTGTGTCTGTGCGCCCCTCGTCTGCCACCCCTACTCGGCCCAAGTAAGGGGGTG-3'
Protein context (NP_065796.2, residues 312-332): ADEGRTDTAY[Arg322His]VVADHIRTLS